The following is an entry in ClinVar:

NM_000441.2(SLC26A4):c.2145G>T (p.Lys715Asn)

Genes: SLC26A4 (solute carrier family 26 member 4; plus strand), LOC123956210 (Sharpr-MPRA regulatory region 3291; plus strand). Cytogenetic location: 7q22.3.
Variant type: single nucleotide variant.
Coding change: c.2145G>T on transcript NM_000441.2 (MANE Select); coding-DNA position 2145, G replaced by T.
Protein change: p.Lys715Asn; replaces lysine 715 with asparagine.
Molecular consequence: missense variant.
Genome position (GRCh38, 1-based): chr7:107,710,109, G>T. VCF-style: chr7-107710109-G-T. GRCh37 (hg19) VCF-style: chr7-107350554-G-T.
Other names: short protein forms K715N.
Identifiers: ClinVar variation 43541 (VCV000043541.64), dbSNP rs397516427, ClinGen allele CA261425.

ClinVar aggregate classification (germline): Likely pathogenic. Review status: reviewed by expert panel (3 of 4 stars). 18 submissions from 18 submitters: Likely pathogenic (1). 17 of the submissions do not count toward it. Last evaluated 2023-08-22.

Conditions:
Rare genetic deafness. Identifiers: Orphanet 96210, MedGen C5680250.
Monogenic hearing loss.
SLC26A4-related disorder. Also called: SLC26A4-related condition; SLC26A4-related disorders.
Autosomal recessive nonsyndromic hearing loss 4 (DFNB4). Also called: FOXI1-Related Pendred Syndrome; KCNJ10-Related Pendred Syndrome; DEAFNESS, AUTOSOMAL RECESSIVE 4, WITH ENLARGED VESTIBULAR AQUEDUCT, DIGENIC; Deafness, autosomal recessive 4; Nonsyndromic enlarged vestibular aqueduct (NSEVA); NEUROSENSORY NONSYNDROMIC RECESSIVE DEAFNESS 4. Identifiers: Orphanet 90636, MedGen C3538946, MONDO:0010933, OMIM 600791.
Pendred syndrome (PDS). Also called: Pendred's syndrome; DEAFNESS WITH GOITER; GOITER-DEAFNESS SYNDROME; HYPOTHYROIDISM, CONGENITAL, DUE TO DYSHORMONOGENESIS, 2B; THYROID DYSHORMONOGENESIS 2B; THYROID HORMONOGENESIS, GENETIC DEFECT IN, 2B. Identifiers: Orphanet 705, MedGen C0271829, MONDO:0010134, OMIM 274600.

Allele frequency attached by ClinVar (database versions not stated): gnomAD below 0.00001 and 0.00005; gnomAD exomes 0.00012; ExAC 0.00013; 1000 Genomes Project 0.00020; 1000 Genomes Project 30x 0.00031.
gnomAD v4.1: 81 of 1,610,758 alleles (0.005%); highest among the groups gnomAD compares: South Asian, 0.085%; no homozygotes.

Submissions 1 to 12 of 18:

ClinGen Hearing Loss Variant Curation Expert Panel
Classification: Likely pathogenic for Pendred syndrome. Last evaluated: 2023-08-22. Review status: reviewed by expert panel. Criteria: Clingen Hl Acmg Specifications Cdh23 Coch Gjb2 Kcnq4 Myo6 Myo7a Slc26a4 Tecta Ush2a V2. Collection method: curation. Allele origin: germline. Inheritance: Autosomal recessive inheritance.
Comment: The c.2145G>T variant in SLC26A4 is a missense variant predicted to cause substitution of lysine by asparagine at amino acid 715 (p.Lys715Asn). The highest population minor allele frequency in gnomAD v2.1.1 is 0.06777% (95% CI of 29/30610) in the South Asian population (PM2_supporting, BS1, and BA1 not met). This variant has been observed in 3 probands with hearing loss in trans with another pathogenic or likely pathogenic variant (PM3_Strong; PMID: 26969326, PMID: 32417962, LMM unpublished data SCV000060131.6). At least one proband with this variant presented with clinical features of sensorineural hearing loss and enlarged vestibular aqueduct, a phenotype specific for Pendred syndrome (PP4; LMM unpublished data SCV000060131.6).This variant has been observed in several other cases where a second variant in SLC26A4 was not found (PMID: 19509082, 19287372, 26188157, 32417962). Functional studies including fluorescence assays and chloride exchange experiments have demonstrated that this variant impacts protein function (PS3_Supporting; PMID: 19509082). Computational prediction tools and conservation analyses do not provide strong support for or against an impact to the protein. In summary, this variant is classified as likely pathogenic for autosomal recessive Pendred syndrome. ACMG/AMP Criteria applied as specified by the Hearing Loss Expert Panel 08/22/23: PM3_Strong, PS3_Supporting, PP4.

GeneDx
Classification: Likely pathogenic. Last evaluated: 2026-10-20. Review status: criteria provided, single submitter. Criteria: GeneDx Variant Classification Process June 2021. Collection method: clinical testing. Allele origin: germline. Not counted in ClinVar's aggregate classification.
Comment: Published functional studies suggest this variant demonstrates reduced anion exchange properties (PMID: 19509082); In silico analysis suggests that this missense variant does not alter protein structure/function; This variant is associated with the following publications: (PMID: 28941661, 19509082, 26188157, 18813951, 33614372, 35186384, 26186295, 19287372, 25999548, 35249537, 32417962, 26445815, 39967327, 40921938, 34753855, 40008839, 39843441, 25372295, 26969326, 38374194, 42086625)

Natera, Inc.
Classification: Likely pathogenic for Pendred syndrome. Last evaluated: 2025-10-07. Review status: criteria provided, single submitter. Criteria: Natera Variant Classification Schema (03/2026). Collection method: clinical testing. Allele origin: germline. Not counted in ClinVar's aggregate classification.
Comment: The c.2145G>T variant in SLC26A4 is a missense variant predicted to cause substitution of lysine to asparagine at amino acid 715. This variant is rare in the general population with a frequency below the threshold expected for the associated phenotype(s). This variant has been observed in one or more individuals affected with the associated recessive disease, as either homozygous or compound heterozygous with a second variant (PMID: 38374194, 34753855, 32417962, 25372295, 26969326). Computational prediction algorithms indicate this variant is likely to affect gene or protein function. Given the available evidence, this variant is classified as Likely Pathogenic.

Genetics Laboratory, Great Ormond Street Hospital NHS Foundation Trust, North Thames Genomic Laboratory Hub
Classification: Pathogenic for Monogenic hearing loss. Last evaluated: 2025-09-15. Review status: criteria provided, single submitter. Criteria: ACGS Best Practice Guidelines for Variant Classification in Rare Disease 2024 v1.2. Collection method: clinical testing. Allele origin: germline. Affected: yes. Not counted in ClinVar's aggregate classification.
Comment: PP1_strong, PM3_very-strong, PP4_supporting

First Genomix Gene Laboratory, Genetic Diagnostics Department
Classification: Likely pathogenic for Autosomal recessive nonsyndromic hearing loss 4; Pendred syndrome. Last evaluated: 2025-09-09. Review status: criteria provided, single submitter. Criteria: ACMG Guidelines, 2015. Collection method: clinical testing. Allele origin: germline. Inheritance: Autosomal recessive inheritance. Affected: no. Observed: 1 variant allele. Not counted in ClinVar's aggregate classification.

Women's Health and Genetics/Laboratory Corporation of America, LabCorp
Classification: Likely pathogenic for Pendred syndrome. Last evaluated: 2025-02-20. Review status: criteria provided, single submitter. Criteria: LabCorp Variant Classification Summary - May 2015. Collection method: clinical testing. Allele origin: germline. Not counted in ClinVar's aggregate classification.
Comment: Variant summary: SLC26A4 c.2145G>T (p.Lys715Asn) results in a non-conservative amino acid change of the encoded protein sequence. Three of five in-silico tools predict a benign effect of the variant on protein function. The variant allele was found at a frequency of 0.00012 in 251292 control chromosomes. This frequency is not significantly higher than estimated for a pathogenic variant in SLC26A4 causing Pendred Syndrome (0.00012 vs 0.0035), allowing no conclusion about variant significance. c.2145G>T has been reported in the literature in individuals affected with Hearing loss (example: Anwar_2009, Dai_2009, Sloan-Heggen_2015, Richard_2019, Chandru_2020). In at-least one family variant did not appear to segregate with the disease (example: Chandru_2020). At least one publication reports experimental evidence evaluating an impact on protein function, however, does not allow convincing conclusions about the variant effect (example: Dai_2009). The following publications have been ascertained in the context of this evaluation (PMID: 19287372, 32417962, 19509082, 30303587, 26445815). ClinVar contains an entry for this variant (Variation ID: 43541). Based on the evidence outlined above, the variant was classified as likely pathogenic.

Fulgent Genetics
Classification: Likely pathogenic for Pendred syndrome; Autosomal recessive nonsyndromic hearing loss 4. Last evaluated: 2024-04-05. Review status: criteria provided, single submitter. Criteria: ACMG Guidelines, 2015. Collection method: clinical testing. Allele origin: germline. Not counted in ClinVar's aggregate classification.

Baylor Genetics
Classification: Likely pathogenic for Autosomal recessive nonsyndromic hearing loss 4. Last evaluated: 2024-03-30. Review status: criteria provided, single submitter. Criteria: ACMG Guidelines, 2015. Collection method: clinical testing. Allele origin: unknown. Not counted in ClinVar's aggregate classification.

Department of Pathology and Laboratory Medicine, Sinai Health System
Classification: Likely pathogenic for Autosomal recessive nonsyndromic hearing loss 4; Pendred syndrome. Last evaluated: 2023-06-06. Review status: criteria provided, single submitter. Criteria: ACMG Guidelines, 2015. Collection method: research. Allele origin: germline. Not counted in ClinVar's aggregate classification.

3billion
Classification: Likely pathogenic for Autosomal recessive nonsyndromic hearing loss 4. Last evaluated: 2022-03-22. Review status: criteria provided, single submitter. Criteria: ACMG Guidelines, 2015. Collection method: clinical testing. Allele origin: germline. Affected: yes. Observed: 1 heterozygote. Not counted in ClinVar's aggregate classification.
Comment: Same or different nucleotide change resulting in same amino acid change has been previously reported to be associated with SLC26A4 related disorder (PMID:19287372). The variant has been reported to be in trans with a pathogenic variant as either compound heterozygous or homozygous in at least one similarly affected unrelated individual(PMID: 26969326). Functional assays showed that the variant had moderate level of impact on gene/protein function (PMID: 19509082). In silico tool predictions suggest damaging effect of the variant on gene or gene product (3CNET: 0.831>=0.75). The variant is observed at an extremely low frequency in the gnomAD v2.1.1 dataset (total allele frequency:0.0001154). Therefore, this variant is classified as likely pathogenic according to the recommendation of ACMG/AMP guideline.

Blueprint Genetics
Classification: Likely pathogenic for SLC26A4-related disorders. Last evaluated: 2021-11-26. Review status: criteria provided, single submitter. Criteria: ACMG Guidelines, 2015. Collection method: clinical testing. Allele origin: germline. Affected: yes. Observed: 3 variant alleles. Not counted in ClinVar's aggregate classification.

Department of Otolaryngology – Head & Neck Surgery, Cochlear Implant Center
Classification: Likely pathogenic for Pendred syndrome. Last evaluated: 2021-04-12. Review status: criteria provided, single submitter. Criteria: ClinGen HL ACMG Specifications v1. Collection method: clinical testing. Allele origin: germline. Affected: yes. Not counted in ClinVar's aggregate classification.
Comment: PS1_Strong, PM2_Supporting, BP4_Supporting